The following is an entry in ClinVar:

ClinVar aggregate classification (germline): Conflicting classifications of pathogenicity. Review status: criteria provided, conflicting classifications (1 of 4 stars). 8 submissions from 8 submitters: Uncertain significance (1); Benign (1); Likely benign (6). Last evaluated 2026-09-21.

Conditions:
Cardiovascular phenotype. Identifiers: MedGen CN230736.
CACNA1C-related disorder. Also called: CACNA1C-related condition; CACNA1C-related disorders. Identifiers: MedGen CN381092, MONDO:0700321.
Long QT syndrome (LQTS). Identifiers: MedGen C0023976, MeSH D008133, MONDO:0002442. Disease mechanism: loss of function. Inheritance: Various modes of inheritance.

Allele frequency attached by ClinVar (database versions not stated): ExAC 0.00016; ESP Exome Variant Server 0.00016; gnomAD exomes 0.00018 and 0.00035; TOPMed 0.00022; gnomAD 0.00024 and 0.00025.
gnomAD v4.1: 548 of 1,613,820 alleles (0.034%); highest among the groups gnomAD compares: Non-Finnish European, 0.044%; no homozygotes.

Submissions (8):

Molecular Diagnostic Laboratory for Inherited Cardiovascular Disease, Montreal Heart Institute
Classification: Likely benign. Last evaluated: 2026-09-21. Review status: criteria provided, single submitter. Criteria: ACMG Guidelines, 2015. Collection method: clinical testing. Allele origin: germline. Affected: no.
Comment: BS1,BP7

PreventionGenetics, part of Exact Sciences
Classification: Likely benign for CACNA1C-related condition. Last evaluated: 2026-01-20. Review status: criteria provided, single submitter. Criteria: ACMG Guidelines, 2015. Collection method: clinical testing. Allele origin: germline.
Comment: This variant is classified as likely benign based on ACMG/AMP sequence variant interpretation guidelines (Richards et al. 2015 PMID: 25741868, with internal and published modifications).

Labcorp Genetics (formerly Invitae), Labcorp
Classification: Likely benign for Long QT syndrome. Last evaluated: 2026-01-19. Review status: criteria provided, single submitter. Criteria: Invitae Variant Classification Sherloc (09022015). Collection method: clinical testing. Allele origin: germline.

Blueprint Genetics
Classification: Likely benign. Last evaluated: 2024-08-29. Review status: criteria provided, single submitter. Criteria: ACMG Guidelines, 2015. Collection method: clinical testing. Allele origin: germline.

CeGaT Center for Human Genetics Tuebingen
Classification: Likely benign. Last evaluated: 2022-07-01. Review status: criteria provided, single submitter. Criteria: CeGaT Center For Human Genetics Tuebingen Variant Classification Criteria Version 2. Collection method: clinical testing. Allele origin: germline. Affected: yes. Observed: 1 variant allele.
Comment: CACNA1C: BP4, BS2

Ambry Genetics
Classification: Likely benign for Cardiovascular phenotype. Last evaluated: 2016-12-26. Review status: criteria provided, single submitter. Criteria: Ambry Variant Classification Scheme 2023. Collection method: clinical testing. Allele origin: germline.

GeneDx
Classification: Benign. Last evaluated: 2015-03-03. Review status: criteria provided, single submitter. Criteria: GeneDx Variant Classification Process June 2021. Collection method: clinical testing. Allele origin: germline. Affected: yes.

Eurofins Ntd Llc (ga)
Classification: Uncertain significance. Last evaluated: 2012-09-26. Review status: criteria provided, single submitter. Criteria: EGL Classification Definitions 2015. Collection method: clinical testing. Allele origin: germline. Observed: 2 variant alleles, 2 heterozygotes.

NM_000719.7(CACNA1C):c.2280G>A (p.Glu760=)

Gene: CACNA1C (calcium voltage-gated channel subunit alpha1 C; plus strand). Cytogenetic location: 12p13.33.
Variant type: single nucleotide variant.
Coding change: c.2280G>A on transcript NM_000719.7 (MANE Select); coding-DNA position 2280, G replaced by A.
Protein change: p.Glu760=; no amino-acid change (glutamic acid 760 retained).
Molecular consequence: synonymous variant.
Genome position (GRCh38, 1-based): chr12:2,584,558, G>A. VCF-style: chr12-2584558-G-A. GRCh37 (hg19) VCF-style: chr12-2693724-G-A.
Other names: c.2280G>A, p.Glu760= (NM_001129827.2, NM_001129829.2, NM_001129830.3 and 18 more transcripts); c.2271G>A, p.Glu757= (NM_001129844.2).
Identifiers: ClinVar variation 93396 (VCV000093396.52), dbSNP rs141633456, ClinGen allele CA221272.